The following is an entry in ClinVar:

NM_001365480.1(CCDC88A):c.4735A>G (p.Arg1579Gly)

Gene: CCDC88A (coiled-coil domain containing 88A; minus strand). Cytogenetic location: 2p16.1.
Variant type: single nucleotide variant.
Coding change: c.4735A>G on transcript NM_001365480.1 (MANE Select); coding-DNA position 4735, A replaced by G.
Protein change: p.Arg1579Gly; replaces arginine 1579 with glycine.
Molecular consequence: missense variant.
Genome position (GRCh38, 1-based): chr2:55,301,215, T>C on the plus strand (A>G on the coding strand, the complement: CCDC88A is on the minus strand). VCF-style: chr2-55301215-T-C. GRCh37 (hg19) VCF-style: chr2-55528351-T-C.
Other names: c.4732A>G, p.Arg1578Gly (NM_001135597.2, NM_001254943.2); c.4651A>G, p.Arg1551Gly (NM_018084.5); short protein forms R1579G, R1551G, R1578G.
Identifiers: ClinVar variation 1411163 (VCV001411163.4), dbSNP rs541597442, ClinGen allele CA1665500.
Genomic context (GRCh38, chr2:55,301,215, plus strand): 5'-TTCCCATTCTGTATTTAATGTGTACTCTCTAAATAAGGTTCATTATCTTACCATGAACTC[T>C]TGATCCCGTACTAGAATCATCACTAACACCTTGTGGACTTATGTCTTCAAAGGATGTAGT-3'
Protein context (NP_001352409.1, residues 1569-1589): GVSDDSSTGS[Arg1579Gly]VHASRPASLD

ClinVar aggregate classification (germline): Uncertain significance (1 of 4 stars; one submission).

Allele frequency attached by ClinVar (database versions not stated): gnomAD exomes below 0.00001; ExAC 0.00001; gnomAD 0.00001; TOPMed 0.00001; 1000 Genomes Project 30x 0.00016; 1000 Genomes Project 0.00020.
gnomAD v4.1: 4 of 1,587,088 alleles (0.00025%); highest among the groups gnomAD compares: Admixed American, 0.0034%; no homozygotes.

Submission:

Labcorp Genetics (formerly Invitae), Labcorp
Classification: Uncertain significance. Last evaluated: 2021-11-16. Review status: criteria provided, single submitter. Criteria: Invitae Variant Classification Sherloc (09022015). Collection method: clinical testing. Allele origin: germline.
Comment: In summary, the available evidence is currently insufficient to determine the role of this variant in disease. Therefore, it has been classified as a Variant of Uncertain Significance. Algorithms developed to predict the effect of missense changes on protein structure and function are either unavailable or do not agree on the potential impact of this missense change (SIFT: "Deleterious"; PolyPhen-2: "Benign"; Align-GVGD: "Class C0"). This variant has not been reported in the literature in individuals affected with CCDC88A-related conditions. This variant is present in population databases (rs541597442, gnomAD 0.003%). This sequence change replaces arginine, which is basic and polar, with glycine, which is neutral and non-polar, at codon 1578 of the CCDC88A protein (p.Arg1578Gly).